The following is an entry in ClinVar:

NM_003128.3(SPTBN1):c.6353_6356+15del

Gene: SPTBN1 (spectrin beta, non-erythrocytic 1; plus strand). Cytogenetic location: 2p16.2.
Variant type: Deletion.
Coding change: c.6353_6356+15del on transcript NM_003128.3 (MANE Select); coding-DNA position 6353 through 15 bases into the intron after coding-DNA position 6356, 19 bases deleted (AGTGGTGAGTCCCAGCAGC).
Molecular consequence: splice donor variant.
Genome position (GRCh38, 1-based): chr2:54,659,263-54,659,281, AGTGGTGAGTCCCAGCAGC deleted; deleting any 19 consecutive bases within chr2:54,659,250-54,659,281 gives the same sequence; the c. name uses the placement nearest the transcript's 3' end. VCF-style (leftmost placement, unchanged base first): chr2-54659249-CGAGTCCCAGCAGCAGTGGT-C. GRCh37 (hg19) VCF-style: chr2-54886386-CGAGTCCCAGCAGCAGTGGT-C.
Other names: c.6314_6317+15del (NM_178313.3).
Identifiers: ClinVar variation 3765757 (VCV003765757.1).
Genomic context (GRCh38, chr2:54,659,249, plus strand): 5'-AGAGGAGAGGAAGAGGCGGCCGCCTTCTCCCGAGCCGAGCACGAAGGTTTCAGAGGAAGC[CGAGTCCCAGCAGCAGTGGT>C]GAGTCCCAGCAGCTCCAGAGGCTGGACCCTTAGCCTCGGTGGCCAATGAGGTTTATGGGG-3'

ClinVar aggregate classification (germline): Likely pathogenic (1 of 4 stars; one submission).

Conditions:
Developmental delay, impaired speech, and behavioral abnormalities. Identifiers: MedGen C5561957, MONDO:0859178, OMIM 619475.

Submission:

Greenwood Genetic Center Diagnostic Laboratories, Greenwood Genetic Center
Classification: Likely pathogenic for Developmental delay, impaired speech, and behavioral abnormalities. Last evaluated: 2024-11-08. Review status: criteria provided, single submitter. Criteria: ACMG Guidelines, 2015. Collection method: clinical testing. Allele origin: germline. Affected: yes.
Comment: PVS1, PM2